The following is an entry in ClinVar:

NM_020066.5(FMN2):c.924G>C (p.Pro308=)

Gene: FMN2 (formin 2; plus strand). Cytogenetic location: 1q43.
Variant type: single nucleotide variant.
Coding change: c.924G>C on transcript NM_020066.5 (MANE Select); coding-DNA position 924, G replaced by C.
Protein change: p.Pro308=; no amino-acid change (proline 308 retained).
Molecular consequence: synonymous variant.
Genome position (GRCh38, 1-based): chr1:240,093,033, G>C. VCF-style: chr1-240093033-G-C. GRCh37 (hg19) VCF-style: chr1-240256333-G-C.
Other names: c.924G>C, p.Pro308= (NM_001305424.2, NM_001348094.2).
Identifiers: ClinVar variation 2640128 (VCV002640128.24), dbSNP rs901534417, ClinGen allele CA39890491.

ClinVar aggregate classification (germline): Likely benign (1 of 4 stars; one submission).

Allele frequency attached by ClinVar (database versions not stated): gnomAD 0.00003.
gnomAD v4.1: 57 of 1,394,490 alleles (0.0041%); highest among the groups gnomAD compares: Middle Eastern, 0.22%; no homozygotes.

Submission:

CeGaT Center for Human Genetics Tuebingen
Classification: Likely benign. Last evaluated: 2022-03-01. Review status: criteria provided, single submitter. Criteria: CeGaT Center For Human Genetics Tuebingen Variant Classification Criteria Version 2. Collection method: clinical testing. Allele origin: germline. Affected: yes. Observed: 1 variant allele.
Comment: FMN2: BP4, BP7